The following is an entry in ClinVar:

ClinVar aggregate classification (germline): Conflicting classifications of pathogenicity. Review status: criteria provided, conflicting classifications (1 of 4 stars). 3 submissions from 3 submitters: Likely pathogenic (1); Uncertain significance (2). Last evaluated 2025-02-25.

Conditions:
NRL-related disorders.
Inborn genetic diseases. Identifiers: MedGen C0950123, MeSH D030342.

gnomAD v4.1: 9 of 1,601,076 alleles (0.00056%); highest among the groups gnomAD compares: Admixed American, 0.0017%; no homozygotes.

Submissions (3):

Labcorp Genetics (formerly Invitae), Labcorp
Classification: Uncertain significance. Last evaluated: 2025-02-25. Review status: criteria provided, single submitter. Criteria: Invitae Variant Classification Sherloc (09022015). Collection method: clinical testing. Allele origin: germline.
Comment: This sequence change replaces leucine, which is neutral and non-polar, with proline, which is neutral and non-polar, at codon 149 of the NRL protein (p.Leu149Pro). The frequency data for this variant in the population databases is considered unreliable, as metrics indicate poor data quality at this position in the gnomAD database. This variant has not been reported in the literature in individuals affected with NRL-related conditions. ClinVar contains an entry for this variant (Variation ID: 3407858). An algorithm developed to predict the effect of missense changes on protein structure and function (PolyPhen-2) suggests that this variant is likely to be disruptive. In summary, the available evidence is currently insufficient to determine the role of this variant in disease. Therefore, it has been classified as a Variant of Uncertain Significance.

Ambry Genetics
Classification: Uncertain significance for Inborn genetic diseases. Last evaluated: 2024-08-10. Review status: criteria provided, single submitter. Criteria: Ambry Variant Classification Scheme 2023. Collection method: clinical testing. Allele origin: germline.

Blueprint Genetics
Classification: Likely pathogenic for NRL-related disorders. Last evaluated: 2022-09-28. Review status: criteria provided, single submitter. Criteria: ACMG Guidelines, 2015. Collection method: clinical testing. Allele origin: germline. Affected: yes. Observed: 3 variant alleles.

NM_001354768.3(NRL):c.446T>C (p.Leu149Pro)

Gene: NRL (neural retina leucine zipper; minus strand). Cytogenetic location: 14q11.2.
Variant type: single nucleotide variant.
Coding change: c.446T>C on transcript NM_001354768.3 (MANE Select); coding-DNA position 446, T replaced by C.
Protein change: p.Leu149Pro; replaces leucine 149 with proline.
Molecular consequence: missense variant.
Genome position (GRCh38, 1-based): chr14:24,081,504, A>G on the plus strand (T>C on the coding strand, the complement: NRL is on the minus strand). VCF-style: chr14-24081504-A-G. GRCh37 (hg19) VCF-style: chr14-24550713-A-G.
Other names: c.446T>C, p.Leu149Pro (NM_001354769.1, NM_006177.5); c.131T>C, p.Leu44Pro (NM_001354770.2); short protein forms L149P, L44P.
Identifiers: ClinVar variation 3407858 (VCV003407858.3).